The following is an entry in ClinVar:

ClinVar aggregate classification (germline): Uncertain significance (1 of 4 stars; one submission).

Submission:

Ambry Genetics
Classification: Uncertain significance. Last evaluated: 2023-01-27. Review status: criteria provided, single submitter. Criteria: Ambry Variant Classification Scheme 2023. Collection method: clinical testing. Allele origin: germline.
Comment: The p.Q2553E variant (also known as c.7657C>G), located in coding exon 29 of the POLQ gene, results from a C to G substitution at nucleotide position 7657. The glutamine at codon 2553 is replaced by glutamic acid, an amino acid with highly similar properties. This amino acid position is conserved. In addition, the in silico prediction for this alteration is inconclusive. Since supporting evidence is limited at this time, the clinical significance of this alteration remains unclear.

NM_199420.4(POLQ):c.7657C>G (p.Gln2553Glu)

Gene: POLQ (DNA polymerase theta; minus strand). Cytogenetic location: 3q13.33.
Variant type: single nucleotide variant.
Coding change: c.7657C>G on transcript NM_199420.4 (MANE Select); coding-DNA position 7657, C replaced by G.
Protein change: p.Gln2553Glu; replaces glutamine 2553 with glutamic acid.
Molecular consequence: missense variant.
Genome position (GRCh38, 1-based): chr3:121,432,920, G>C on the plus strand (C>G on the coding strand, the complement: POLQ is on the minus strand). VCF-style: chr3-121432920-G-C. GRCh37 (hg19) VCF-style: chr3-121151767-G-C.
Other names: short protein forms Q2553E.
Identifiers: ClinVar variation 2448990 (VCV002448990.2), dbSNP rs2546744777, ClinGen allele CA354093444.
Genomic context (GRCh38, chr3:121,432,920, plus strand): 5'-GCCTGACAATACAGTGTCTTGTCTTCCTATGGAATGGACACAAGCATTGCAAAAATACCT[G>C]AACAACATCTTCTTCTGCCACTTCATATAGGAGTTCATCATGGAGTTGAAGGATGAAGAA-3'
Protein context (NP_955452.3, residues 2543-2563): LYEVAEEDVV[Gln2553Glu]VAQIVKNEME